The following is an entry in ClinVar:

ClinVar aggregate classification (germline): Pathogenic. Review status: criteria provided, multiple submitters, no conflicts (2 of 4 stars). 7 submissions from 7 submitters: Pathogenic (6). 1 of the submissions does not count toward it. Last evaluated 2025-10-13.

Conditions:
Hereditary cancer-predisposing syndrome. Also called: Neoplastic Syndromes, Hereditary; Tumor predisposition; Hereditary Cancer Syndrome; Hereditary neoplastic syndrome. Identifiers: Orphanet 140162, MedGen C0027672, MeSH D009386, MONDO:0015356.
BAP1-related tumor predisposition syndrome (TPDS1). Also called: Tumor susceptibility linked to germline BAP1 mutations; COMMON Syndrome; TUMOR PREDISPOSITION SYNDROME 1; BAP1 tumor predisposition syndrome. Identifiers: Orphanet 289539, MedGen C3280492, MONDO:0013692, OMIM 614327.

Allele frequency attached by ClinVar (database versions not stated): gnomAD exomes below 0.00001; ExAC 0.00001.
gnomAD v4.1: 1 of 1,614,154 alleles (0.000062%); no homozygotes.

Submissions (7):

Labcorp Genetics (formerly Invitae), Labcorp
Classification: Pathogenic for BAP1-related tumor predisposition syndrome. Last evaluated: 2025-10-13. Review status: criteria provided, single submitter. Criteria: Invitae Variant Classification Sherloc (09022015). Collection method: clinical testing. Allele origin: germline.
Comment: This sequence change creates a premature translational stop signal (p.Gln684*) in the BAP1 gene. While this is not anticipated to result in nonsense mediated decay, it is expected to disrupt the last 46 amino acid(s) of the BAP1 protein. This variant is not present in population databases (gnomAD no frequency). This premature translational stop signal has been observed in individual(s) with mesothelioma, skin cancer and uveal melanoma (PMID: 21874000, 24243779). It has also been observed to segregate with disease in related individuals. ClinVar contains an entry for this variant (Variation ID: 30302). Algorithms developed to predict the effect of variants on gene product structure and function are not available or were not evaluated for this variant. Experimental studies have shown that this premature translational stop signal affects BAP1 function (PMID: 18757409). For these reasons, this variant has been classified as Pathogenic.

GeneDx
Classification: Pathogenic. Last evaluated: 2025-04-04. Review status: criteria provided, single submitter. Criteria: GeneDx Variant Classification Process June 2021. Collection method: clinical testing. Allele origin: germline. Affected: yes.
Comment: Nonsense variant predicted to result in protein truncation as the last 46 amino acids are lost, although loss-of-function variants have not been reported downstream of this position in the protein; Published functional studies support a damaging effect: reduced BAP1 protein expression, inactivation of Bap1, and loss of nuclear localization (PMID: 26896281, 35446349); Not observed at significant frequency in large population cohorts (gnomAD); This variant is associated with the following publications: (PMID: 22935333, 26096145, 24855403, 22683710, 23849051, 38091987, 36451132, 25889843, 24243779, 27882345, 35446349, 26896281, 28665402, 29761599, 21874000, 30975761, 29625052, 26689913)

Baylor Genetics
Classification: Pathogenic for BAP1-related tumor predisposition syndrome. Last evaluated: 2024-02-28. Review status: criteria provided, single submitter. Criteria: ACMG Guidelines, 2015. Collection method: clinical testing. Allele origin: unknown.

Myriad Genetics, Inc.
Classification: Pathogenic for BAP1-related tumor predisposition syndrome. Last evaluated: 2023-05-17. Review status: criteria provided, single submitter. Criteria: Myriad Autosomal Dominant, Autosomal Recessive and X-Linked Classification Criteria (2023). Collection method: clinical testing. Allele origin: unknown.
Comment: This variant is considered pathogenic. This variant creates a termination codon and is predicted to result in premature protein truncation.

Ambry Genetics
Classification: Pathogenic for Hereditary cancer-predisposing syndrome. Last evaluated: 2022-12-07. Review status: criteria provided, single submitter. Criteria: Ambry Variant Classification Scheme 2023. Collection method: clinical testing. Allele origin: germline.
Comment: The p.Q684* pathogenic mutation (also known as c.2050C>T), located in coding exon 16 of the BAP1 gene, results from a C to T substitution at nucleotide position 2050. This changes the amino acid from a glutamine to a stop codon within coding exon 16. This mutation has been previously identified in multiple families affected with BAP1 tumor predisposition syndrome and segregates with disease in these families (Testa JR et al. Nat. Genet. 2011 Oct;43:1022-5; Carbone M et al. J Transl Med. 2012;10:179; Pilarski R et al. Genes Chromosomes Cancer. 2014 Feb;53:177-82; Alakus H et al. J Transl Med. 2015;13:122; Rai K et al. Genes Chromosomes Cancer. 2017 Feb;56:168-174). In addition to the clinical data presented in the literature, this alteration is expected to result in loss of function by premature protein truncation. As such, this alteration is interpreted as a disease-causing mutation.

Color Diagnostics, LLC DBA Color Health
Classification: Pathogenic for Hereditary cancer-predisposing syndrome. Last evaluated: 2019-09-09. Review status: criteria provided, single submitter. Criteria: ACMG Guidelines, 2015. Collection method: clinical testing. Allele origin: germline.
Comment: This variant changes 1 nucleotide in exon 16 of the BAP1 gene, creating a premature translation stop signal. This variant is expected to result in an absent or non-functional protein product. Splice site prediction tools suggest that this variant may not impact RNA splicing. This variant has been reported in individuals affected with mesothelioma, skin carcinoma and uveal melanoma (PMID: 21874000, 24243779 ). This variant has been identified in 1/251330 chromosomes in the general population by the Genome Aggregation Database (gnomAD). Loss of BAP1 function is a known mechanism of disease. Based on the available evidence, this variant is classified as Pathogenic.

OMIM
Classification: Pathogenic for TUMOR PREDISPOSITION SYNDROME 1. Last evaluated: 2011-08-28. Review status: no assertion criteria provided. Collection method: literature only. Allele origin: germline. Not counted in ClinVar's aggregate classification.

Literature cited by the submitters: PubMed 21874000 (cited by 3 submitters); PubMed 24243779 (cited by Labcorp Genetics (formerly Invitae), Labcorp and Ambry Genetics); PubMed 18757409 (cited by Labcorp Genetics (formerly Invitae), Labcorp); PubMed 22935333 (cited by Ambry Genetics); PubMed 25889843 (cited by Ambry Genetics); PubMed 27718540 (cited by Ambry Genetics).

NM_004656.4(BAP1):c.2050C>T (p.Gln684Ter)

Gene: BAP1 (BRCA1 associated deubiquitinase 1; minus strand). Cytogenetic location: 3p21.1.
Variant type: single nucleotide variant.
Coding change: c.2050C>T on transcript NM_004656.4 (MANE Select); coding-DNA position 2050, C replaced by T.
Protein change: p.Gln684Ter; replaces glutamine 684 with a stop codon.
Molecular consequence: nonsense.
Genome position (GRCh38, 1-based): chr3:52,402,608, G>A on the plus strand (C>T on the coding strand, the complement: BAP1 is on the minus strand). VCF-style: chr3-52402608-G-A. GRCh37 (hg19) VCF-style: chr3-52436624-G-A.
Other names: short protein forms Q684*.
Identifiers: ClinVar variation 30302 (VCV000030302.23), dbSNP rs387906848, ClinGen allele CA129103.